The following is an entry in ClinVar:

NM_020921.4(NIN):c.1237C>T (p.Arg413Trp)

Gene: NIN (ninein; minus strand). Cytogenetic location: 14q22.1.
Variant type: single nucleotide variant.
Coding change: c.1237C>T on transcript NM_020921.4 (MANE Select); coding-DNA position 1237, C replaced by T.
Protein change: p.Arg413Trp; replaces arginine 413 with tryptophan.
Molecular consequence: missense variant.
Genome position (GRCh38, 1-based): chr14:50,770,874, G>A on the plus strand (C>T on the coding strand, the complement: NIN is on the minus strand). VCF-style: chr14-50770874-G-A. GRCh37 (hg19) VCF-style: chr14-51237592-G-A.
Other names: c.1237C>T, p.Arg413Trp (NM_016350.5, NM_182944.3, NM_182946.2); c.1237C>T (NM_020921.3); short protein forms R413W.
Identifiers: ClinVar variation 3629803 (VCV003629803.2).
Genomic context (GRCh38, chr14:50,770,874, plus strand): 5'-GTGGTGGGTGAGGAGGAGCCTCACTCTGCTGGCCTCACCTGAGGTTGTACTCATTCCGCC[G>A]CTCTATGGCCGCATGGTGATCATCCACCTCCGAGGCCATTAAAGACTTGAGCTTCTCGGC-3'
Protein context (NP_065972.4, residues 403-423): EVDDHHAAIE[Arg413Trp]RNEYNLRKLD

ClinVar aggregate classification (germline): Uncertain significance. Review status: criteria provided, multiple submitters, no conflicts (2 of 4 stars). 2 submissions from 2 submitters: Uncertain significance (2). Last evaluated 2025-04-11.

gnomAD v4.1: 6 of 1,613,890 alleles (0.00037%); highest among the groups gnomAD compares: Admixed American, 0.0017%; no homozygotes.

Submissions (2):

Ambry Genetics
Classification: Uncertain significance. Last evaluated: 2025-04-11. Review status: criteria provided, single submitter. Criteria: Ambry Variant Classification Scheme 2023. Collection method: clinical testing. Allele origin: germline.

Women's Health and Genetics/Laboratory Corporation of America, LabCorp
Classification: Uncertain significance. Last evaluated: 2024-11-06. Review status: criteria provided, single submitter. Criteria: LabCorp Variant Classification Summary - May 2015. Collection method: clinical testing. Allele origin: germline.
Comment: Variant summary: NIN c.1237C>T (p.Arg413Trp) results in a non-conservative amino acid change in the encoded protein sequence. Four of five in-silico tools predict a damaging effect of the variant on protein function. The variant allele was found at a frequency of 1.2e-05 in 250794 control chromosomes. The available data on variant occurrences in the general population are insufficient to allow any conclusion about variant significance. To our knowledge, no occurrence of c.1237C>T in individuals affected with Seckel Syndrome 7 and no experimental evidence demonstrating its impact on protein function have been reported. No submitters have cited clinical-significance assessments for this variant to ClinVar. Based on the evidence outlined above, the variant was classified as uncertain significance.